The following is an entry in ClinVar:

ClinVar aggregate classification (germline): Uncertain significance (1 of 4 stars; one submission).

gnomAD v4.1: 2 of 1,589,884 alleles (0.00013%); highest among the groups gnomAD compares: Non-Finnish European, 0.00017%; no homozygotes.

Submission:

Labcorp Genetics (formerly Invitae), Labcorp
Classification: Uncertain significance. Last evaluated: 2025-04-10. Review status: criteria provided, single submitter. Criteria: Invitae Variant Classification Sherloc (09022015). Collection method: clinical testing. Allele origin: germline.
Comment: This sequence change replaces threonine, which is neutral and polar, with isoleucine, which is neutral and non-polar, at codon 196 of the MKL1 protein (p.Thr196Ile). This variant is not present in population databases (gnomAD no frequency). This variant has not been reported in the literature in individuals affected with MKL1-related conditions. An algorithm developed to predict the effect of missense changes on protein structure and function (PolyPhen-2) suggests that this variant is likely to be disruptive. In summary, the available evidence is currently insufficient to determine the role of this variant in disease. Therefore, it has been classified as a Variant of Uncertain Significance.

NM_020831.6(MRTFA):c.887C>T (p.Thr296Ile)

Gene: MRTFA (myocardin related transcription factor A; minus strand). Cytogenetic location: 22q13.1.
Variant type: single nucleotide variant.
Coding change: c.887C>T on transcript NM_020831.6 (MANE Select); coding-DNA position 887, C replaced by T.
Protein change: p.Thr296Ile; replaces threonine 296 with isoleucine.
Molecular consequence: missense variant. On other transcripts: intron variant (1).
Genome position (GRCh38, 1-based): chr22:40,423,576, G>A on the plus strand (C>T on the coding strand, the complement: MRTFA is on the minus strand). VCF-style: chr22-40423576-G-A. GRCh37 (hg19) VCF-style: chr22-40819580-G-A.
Other names: c.587C>T, p.Thr196Ile (NM_001282660.2); c.887C>T, p.Thr296Ile (NM_001282662.3); c.692C>T, p.Thr231Ile (NM_001318139.2); c.777+630C>T (NM_001282661.3); short protein forms T196I, T231I, T296I.
Identifiers: ClinVar variation 4701277 (VCV004701277.1).